The following is an entry in ClinVar:

NM_014049.5(ACAD9):c.1262T>C (p.Ile421Thr)

Gene: ACAD9 (acyl-CoA dehydrogenase family member 9; plus strand). Cytogenetic location: 3q21.3.
Variant type: single nucleotide variant.
Coding change: c.1262T>C on transcript NM_014049.5 (MANE Select); coding-DNA position 1262, T replaced by C.
Protein change: p.Ile421Thr; replaces isoleucine 421 with threonine.
Molecular consequence: missense variant. On other transcripts: non-coding transcript variant (1).
Genome position (GRCh38, 1-based): chr3:128,906,233, T>C. VCF-style: chr3-128906233-T-C. GRCh37 (hg19) VCF-style: chr3-128625076-T-C.
Other names: c.893T>C, p.Ile298Thr (NM_001410805.1); short protein forms I421T, I298T.
Identifiers: ClinVar variation 1962782 (VCV001962782.4), dbSNP rs1935885868, ClinGen allele CA354437251.

ClinVar aggregate classification (germline): Uncertain significance. Review status: criteria provided, multiple submitters, no conflicts (2 of 4 stars). 2 submissions from 2 submitters: Uncertain significance (2). Last evaluated 2025-12-15.

Conditions:
Inborn genetic diseases. Identifiers: MedGen C0950123, MeSH D030342.

Allele frequency attached by ClinVar (database versions not stated): TOPMed below 0.00001; gnomAD 0.00001.
gnomAD v4.1: 1 of 1,614,008 alleles (0.000062%); highest among the groups gnomAD compares: African/African-American, 0.0013%; no homozygotes.

Submissions (2):

Labcorp Genetics (formerly Invitae), Labcorp
Classification: Uncertain significance. Last evaluated: 2025-12-15. Review status: criteria provided, single submitter. Criteria: Invitae Variant Classification Sherloc (09022015). Collection method: clinical testing. Allele origin: germline.
Comment: This sequence change replaces isoleucine, which is neutral and non-polar, with threonine, which is neutral and polar, at codon 421 of the ACAD9 protein (p.Ile421Thr). This variant is not present in population databases (gnomAD no frequency). This variant has not been reported in the literature in individuals affected with ACAD9-related conditions. ClinVar contains an entry for this variant (Variation ID: 1962782). Invitae Evidence Modeling of protein sequence and biophysical properties (such as structural, functional, and spatial information, amino acid conservation, physicochemical variation, residue mobility, and thermodynamic stability) indicates that this missense variant is expected to disrupt ACAD9 protein function with a positive predictive value of 80%. In summary, the available evidence is currently insufficient to determine the role of this variant in disease. Therefore, it has been classified as a Variant of Uncertain Significance.

Ambry Genetics
Classification: Uncertain significance for Inborn genetic diseases. Last evaluated: 2020-11-06. Review status: criteria provided, single submitter. Criteria: Ambry Variant Classification Scheme 2023. Collection method: clinical testing. Allele origin: germline.
Comment: The c.1262T>C (p.I421T) alteration is located in exon 12 (coding exon 12) of the ACAD9 gene. This alteration results from a T to C substitution at nucleotide position 1262, causing the isoleucine (I) at amino acid position 421 to be replaced by a threonine (T). Based on data from the Genome Aggregation Database (gnomAD), the ACAD9 c.1262T>C alteration was not observed, with coverage at this position. This amino acid position is highly conserved in available vertebrate species. The p.I421T alteration is predicted to be deleterious by in silico analysis. Based on insufficient or conflicting evidence, the clinical significance of this alteration remains unclear.